The following is an entry in ClinVar:

ClinVar aggregate classification (germline): Uncertain significance (1 of 4 stars; one submission).

Conditions:
Inborn genetic diseases. Identifiers: MedGen C0950123, MeSH D030342.

Submission:

Ambry Genetics
Classification: Uncertain significance for Inborn genetic diseases. Last evaluated: 2022-04-02. Review status: criteria provided, single submitter. Criteria: Ambry Variant Classification Scheme 2023. Collection method: clinical testing. Allele origin: germline.
Comment: The p.S2418Y variant (also known as c.7253C>A), located in coding exon 43 of the ATR gene, results from a C to A substitution at nucleotide position 7253. The serine at codon 2418 is replaced by tyrosine, an amino acid with dissimilar properties. This amino acid position is conserved. In addition, this alteration is predicted to be tolerated by in silico analysis. Since supporting evidence is limited at this time, the clinical significance of this alteration remains unclear.

NM_001184.4(ATR):c.7253C>A (p.Ser2418Tyr)

Gene: ATR (ATR checkpoint kinase; minus strand). Cytogenetic location: 3q23.
Variant type: single nucleotide variant.
Coding change: c.7253C>A on transcript NM_001184.4 (MANE Select); coding-DNA position 7253, C replaced by A.
Protein change: p.Ser2418Tyr; replaces serine 2418 with tyrosine.
Molecular consequence: missense variant.
Genome position (GRCh38, 1-based): chr3:142,459,323, G>T on the plus strand (C>A on the coding strand, the complement: ATR is on the minus strand). VCF-style: chr3-142459323-G-T. GRCh37 (hg19) VCF-style: chr3-142178165-G-T.
Other names: c.7061C>A, p.Ser2354Tyr (NM_001354579.2); short protein forms S2418Y, S2354Y.
Identifiers: ClinVar variation 1757930 (VCV001757930.2), dbSNP rs756990664, ClinGen allele CA354797770.